The following is an entry in ClinVar:

NM_004119.3(FLT3):c.2439C>T (p.Ala813=)

Gene: FLT3 (fms related receptor tyrosine kinase 3; minus strand). Cytogenetic location: 13q12.2.
Variant type: single nucleotide variant.
Coding change: c.2439C>T on transcript NM_004119.3 (MANE Select); coding-DNA position 2439, C replaced by T.
Protein change: p.Ala813=; no amino-acid change (alanine 813 retained).
Molecular consequence: synonymous variant. On other transcripts: non-coding transcript variant (1).
Genome position (GRCh38, 1-based): chr13:28,018,569, G>A on the plus strand (C>T on the coding strand, the complement: FLT3 is on the minus strand). VCF-style: chr13-28018569-G-A. GRCh37 (hg19) VCF-style: chr13-28592706-G-A.
Identifiers: ClinVar variation 3053518 (VCV003053518.2), dbSNP rs141860068, ClinGen allele CA6928318.

ClinVar aggregate classification (germline): Likely benign (0 of 4 stars; one submission).

Conditions:
FLT3-related disorder. Also called: FLT3-related condition.

Allele frequency attached by ClinVar (database versions not stated): gnomAD 0.00004; TOPMed 0.00004; gnomAD exomes 0.00006; ExAC 0.00013; 1000 Genomes Project 30x 0.00016; 1000 Genomes Project 0.00020; ESP Exome Variant Server 0.00023.
gnomAD v4.1: 98 of 1,614,052 alleles (0.0061%); highest among the groups gnomAD compares: East Asian, 0.018%; no homozygotes.

Submission:

PreventionGenetics, part of Exact Sciences
Classification: Likely benign for FLT3-related condition. Last evaluated: 2019-08-30. Review status: no assertion criteria provided. Collection method: clinical testing. Allele origin: germline.
Comment: This variant is classified as likely benign based on ACMG/AMP sequence variant interpretation guidelines (Richards et al. 2015 PMID: 25741868, with internal and published modifications).